The following is an entry in ClinVar:

ClinVar aggregate classification (germline): Likely pathogenic. Review status: criteria provided, single submitter (1 of 4 stars). 2 submissions from 2 submitters: Likely pathogenic (1). 1 of the submissions does not count toward it. Last evaluated 2022-05-02.

Conditions:
Deeah syndrome. Also called: DEVELOPMENTAL DELAY WITH ENDOCRINE, EXOCRINE, AUTONOMIC, AND HEMATOLOGIC ABNORMALITIES. Identifiers: Orphanet 686495, MedGen C5436579, MONDO:0033561, OMIM 619004.
MADD-related disorder. Also called: MADD-Related Disorders; MADD-related condition.

gnomAD v4.1: 4 of 1,614,074 alleles (0.00025%); highest among the groups gnomAD compares: Non-Finnish European, 0.00034%; no homozygotes.

Submissions (2):

Pittsburgh Clinical Genomics Laboratory, University of Pittsburgh Medical Center
Classification: Likely pathogenic for Deeah syndrome. Last evaluated: 2022-05-02. Review status: criteria provided, single submitter. Criteria: ACMG Guidelines, 2015. Collection method: clinical testing. Allele origin: germline. Inheritance: Autosomal recessive inheritance. Affected: yes.
Comment: This sequence variant is a single nucleotide substitution (C>A) at position 2591 of the coding sequence of the MADD gene. This variant creates a premature termition sigl at codon 864 in exon 15 of 36. This variant generates a non-functiol allele through either the expression of a truncated protein or a loss of MADD expression due to nonsense mediated decay. This variant is rare in control population datasets (gnomAD database, 2 of 251,468 alleles, 0.0008%) and is not found in online datasets of clinically annotated variants (ClinVar). To our knowledge, this variant has not been observed in publications in individuals with MADD-related disease. Likewise, functiol studies examining the in vivo or in vitro consequence of this variant have not been published, to our knowledge. Nonetheless, loss of function variants in MADD are known to be pathogenic (PMID: 32761064). Based on this evidence, we consider this a likely pathogenic variant. ACMG Criteria: PM2, PVS1

PreventionGenetics, part of Exact Sciences
Classification: Pathogenic for MADD-related condition. Last evaluated: 2024-03-13. Review status: no assertion criteria provided. Collection method: clinical testing. Allele origin: germline. Not counted in ClinVar's aggregate classification.
Comment: The MADD c.2591C>A variant is predicted to result in premature protein termination (p.Ser864*). To our knowledge, this variant has not been reported in the literature. This variant is reported in 0.0018% of alleles in individuals of European (Non-Finnish) descent in gnomAD. Nonsense variants in MADD are expected to be pathogenic. This variant is interpreted as pathogenic.

Literature cited by the submitters: PubMed 32761064 (cited by Pittsburgh Clinical Genomics Laboratory, University of Pittsburgh Medical Center).

NM_001376571.1(MADD):c.2591C>A (p.Ser864Ter)

Gene: MADD (MAP kinase activating death domain; plus strand). Cytogenetic location: 11p11.2.
Variant type: single nucleotide variant.
Coding change: c.2591C>A on transcript NM_001376571.1 (MANE Select); coding-DNA position 2591, C replaced by A.
Protein change: p.Ser864Ter; replaces serine 864 with a stop codon.
Molecular consequence: nonsense. On other transcripts: non-coding transcript variant (8), intron variant (6).
Genome position (GRCh38, 1-based): chr11:47,286,472, C>A. VCF-style: chr11-47286472-C-A. GRCh37 (hg19) VCF-style: chr11-47308023-C-A.
Other names: c.2462C>A, p.Ser821Ter (NM_001135943.2, NM_001135944.2, NM_001376595.1 and 39 more transcripts); c.2591C>A, p.Ser864Ter (NM_001376572.1, NM_001376573.1, NM_001376574.1 and 27 more transcripts); c.2564C>A, p.Ser855Ter (NM_001376578.1, NM_001376631.1); c.2438C>A, p.Ser813Ter (NM_001376602.1); c.2387C>A, p.Ser796Ter (NM_001376620.1, NM_001376657.1, NM_001376648.1 and 1 more transcripts); c.2258C>A, p.Ser753Ter (NM_001376635.1, NM_001376644.1, NM_001376659.1 and 5 more transcripts); c.1925C>A, p.Ser642Ter (NM_001376663.1); c.2435C>A, p.Ser812Ter (NM_001376649.1, NM_001376632.1); and 2 more; short protein forms S642*, S753*, S796*, S812*, S813*, S821*, S855*, S864*.
Identifiers: ClinVar variation 3348287 (VCV003348287.2).